The following is an entry in ClinVar:

NM_001080449.3(DNA2):c.1223C>T (p.Ala408Val)

Gene: DNA2 (DNA replication helicase/nuclease 2; minus strand). Cytogenetic location: 10q21.3.
Variant type: single nucleotide variant.
Coding change: c.1223C>T on transcript NM_001080449.3 (MANE Select); coding-DNA position 1223, C replaced by T.
Protein change: p.Ala408Val; replaces alanine 408 with valine.
Molecular consequence: missense variant. On other transcripts: non-coding transcript variant (1).
Genome position (GRCh38, 1-based): chr10:68,443,109, G>A on the plus strand (C>T on the coding strand, the complement: DNA2 is on the minus strand). VCF-style: chr10-68443109-G-A. GRCh37 (hg19) VCF-style: chr10-70202866-G-A.
Other names: short protein forms A408V.
Identifiers: ClinVar variation 2056733 (VCV002056733.4), dbSNP rs757436306, ClinGen allele CA5525106.

ClinVar aggregate classification (germline): Uncertain significance (1 of 4 stars; one submission).

Allele frequency attached by ClinVar (database versions not stated): gnomAD exomes below 0.00001; ExAC 0.00003.
gnomAD v4.1: 1 of 1,555,632 alleles (0.000064%); highest among the groups gnomAD compares: Non-Finnish European, 0.000087%; no homozygotes.

Submission:

Labcorp Genetics (formerly Invitae), Labcorp
Classification: Uncertain significance. Last evaluated: 2021-12-24. Review status: criteria provided, single submitter. Criteria: Invitae Variant Classification Sherloc (09022015). Collection method: clinical testing. Allele origin: germline.
Comment: This sequence change replaces alanine, which is neutral and non-polar, with valine, which is neutral and non-polar, at codon 408 of the DNA2 protein (p.Ala408Val). In summary, the available evidence is currently insufficient to determine the role of this variant in disease. Therefore, it has been classified as a Variant of Uncertain Significance. Algorithms developed to predict the effect of missense changes on protein structure and function are either unavailable or do not agree on the potential impact of this missense change (SIFT: "Tolerated"; PolyPhen-2: "Not Available"; Align-GVGD: "Class C0"). This variant has not been reported in the literature in individuals affected with DNA2-related conditions. The frequency data for this variant in the population databases is considered unreliable, as metrics indicate poor data quality at this position in the gnomAD database.